The following is an entry in ClinVar:

ClinVar aggregate classification (germline): Conflicting classifications of pathogenicity. Review status: criteria provided, conflicting classifications (1 of 4 stars). 2 submissions from 2 submitters: Uncertain significance (1); Likely benign (1). Last evaluated 2024-04-30.

Conditions:
Ullrich congenital muscular dystrophy 2 (UCMD2). Identifiers: Orphanet 75840, MedGen C4225314, MONDO:0014654, OMIM 616470.
Bethlem myopathy 2 (BTHLM2). Identifiers: Orphanet 536516, Orphanet 610, MedGen C4225313, MONDO:0034022, OMIM 616471.

Allele frequency attached by ClinVar (database versions not stated): TOPMed 0.00001; ExAC 0.00002; gnomAD 0.00002; gnomAD exomes 0.00002.

Submissions (2):

GeneDx
Classification: Uncertain significance. Last evaluated: 2024-04-30. Review status: criteria provided, single submitter. Criteria: GeneDx Variant Classification Process June 2021. Collection method: clinical testing. Allele origin: germline. Affected: yes.
Comment: Has not been previously published as pathogenic or benign to our knowledge; In silico analysis indicates that this missense variant does not alter protein structure/function

Labcorp Genetics (formerly Invitae), Labcorp
Classification: Likely benign for Bethlem myopathy 2; Ullrich congenital muscular dystrophy 2. Last evaluated: 2022-08-23. Review status: criteria provided, single submitter. Criteria: Invitae Variant Classification Sherloc (09022015). Collection method: clinical testing. Allele origin: germline.

NM_004370.6(COL12A1):c.3919A>G (p.Ile1307Val)

Gene: COL12A1 (collagen type XII alpha 1 chain; minus strand). Cytogenetic location: 6q13.
Variant type: single nucleotide variant.
Coding change: c.3919A>G on transcript NM_004370.6 (MANE Select); coding-DNA position 3919, A replaced by G.
Protein change: p.Ile1307Val; replaces isoleucine 1307 with valine.
Molecular consequence: missense variant.
Genome position (GRCh38, 1-based): chr6:75,151,948, T>C on the plus strand (A>G on the coding strand, the complement: COL12A1 is on the minus strand). VCF-style: chr6-75151948-T-C. GRCh37 (hg19) VCF-style: chr6-75861664-T-C.
Other names: c.427A>G, p.Ile143Val (NM_080645.3); c.3919A>G (NM_004370.5); short protein forms I1307V, I143V.
Identifiers: ClinVar variation 1367545 (VCV001367545.7), dbSNP rs749722543, ClinGen allele CA3893591.